The following is an entry in ClinVar:

ClinVar aggregate classification (germline): Uncertain significance. Review status: criteria provided, multiple submitters, no conflicts (2 of 4 stars). 2 submissions from 2 submitters: Uncertain significance (2). Last evaluated 2025-09-08.

Allele frequency attached by ClinVar (database versions not stated): gnomAD exomes 0.00002 and 0.00004; TOPMed 0.00002; ExAC 0.00004.

Submissions (2):

Labcorp Genetics (formerly Invitae), Labcorp
Classification: Uncertain significance. Last evaluated: 2025-09-08. Review status: criteria provided, single submitter. Criteria: Invitae Variant Classification Sherloc (09022015). Collection method: clinical testing. Allele origin: germline.
Comment: This sequence change replaces leucine, which is neutral and non-polar, with proline, which is neutral and non-polar, at codon 206 of the ROM1 protein (p.Leu206Pro). This variant is present in population databases (rs760583264, gnomAD 0.03%). This variant has not been reported in the literature in individuals affected with ROM1-related conditions. ClinVar contains an entry for this variant (Variation ID: 1042985). Invitae Evidence Modeling of protein sequence and biophysical properties (such as structural, functional, and spatial information, amino acid conservation, physicochemical variation, residue mobility, and thermodynamic stability) indicates that this missense variant is not expected to disrupt ROM1 protein function with a negative predictive value of 80%. In summary, the available evidence is currently insufficient to determine the role of this variant in disease. Therefore, it has been classified as a Variant of Uncertain Significance.

Blueprint Genetics
Classification: Uncertain significance. Last evaluated: 2022-09-29. Review status: criteria provided, single submitter. Criteria: ACMG Guidelines, 2015. Collection method: clinical testing. Allele origin: germline.

NM_000327.4(ROM1):c.617T>C (p.Leu206Pro)

Gene: ROM1 (retinal outer segment membrane protein 1; plus strand). Cytogenetic location: 11q12.3.
Variant type: single nucleotide variant.
Coding change: c.617T>C on transcript NM_000327.4 (MANE Select); coding-DNA position 617, T replaced by C.
Protein change: p.Leu206Pro; replaces leucine 206 with proline.
Molecular consequence: missense variant.
Genome position (GRCh38, 1-based): chr11:62,614,284, T>C. VCF-style: chr11-62614284-T-C. GRCh37 (hg19) VCF-style: chr11-62381756-T-C.
Other names: short protein forms L206P.
Identifiers: ClinVar variation 1042985 (VCV001042985.7), dbSNP rs760583264, ClinGen allele CA6049797.